The following is an entry in ClinVar:

NM_001183.6(ATP6AP1):c.-2_3del (p.Met1fs)

Gene: ATP6AP1 (ATPase H+ transporting accessory protein 1; plus strand). Cytogenetic location: Xq28.
Variant type: Deletion.
Coding change: c.-2_3del on transcript NM_001183.6 (MANE Select); 2 bases upstream of the start codon through coding-DNA position 3, 5 bases deleted (CTATG; older notation c.-2_3delCTATG).
Protein change: p.Met1fs; shifts the reading frame from methionine 1.
Molecular consequence: frameshift variant, initiator codon variant.
Genome position (GRCh38, 1-based): chrX:154,428,691-154,428,695, CTATG deleted; deleting any 5 consecutive bases within chrX:154,428,690-154,428,695 gives the same sequence; the c. name uses the placement nearest the transcript's 3' end. VCF-style (leftmost placement, unchanged base first): chrX-154428689-GGCTAT-G. GRCh37 (hg19) VCF-style: chrX-153657035-GGCTAT-G.
Other names: short protein forms M1fs.
Identifiers: ClinVar variation 1506443 (VCV001506443.6), dbSNP rs2148221583, ClinGen allele CA2573159442.

ClinVar aggregate classification (germline): Uncertain significance (1 of 4 stars; one submission).

Submission:

Labcorp Genetics (formerly Invitae), Labcorp
Classification: Uncertain significance. Last evaluated: 2025-03-03. Review status: criteria provided, single submitter. Criteria: Invitae Variant Classification Sherloc (09022015). Collection method: clinical testing. Allele origin: germline.
Comment: This sequence change affects the initiator methionine of the ATP6AP1 mRNA. The next in-frame methionine is located at codon 2. This variant is not present in population databases (gnomAD no frequency). This variant has not been reported in the literature in individuals affected with ATP6AP1-related conditions. ClinVar contains an entry for this variant (Variation ID: 1506443). Experimental studies and prediction algorithms are not available or were not evaluated, and the functional significance of this variant is currently unknown. In summary, the available evidence is currently insufficient to determine the role of this variant in disease. Therefore, it has been classified as a Variant of Uncertain Significance.